The following is an entry in ClinVar:

NM_003630.3(PEX3):c.798A>T (p.Glu266Asp)

Gene: PEX3 (peroxisomal biogenesis factor 3; plus strand). Cytogenetic location: 6q24.2.
Variant type: single nucleotide variant.
Coding change: c.798A>T on transcript NM_003630.3 (MANE Select); coding-DNA position 798, A replaced by T.
Protein change: p.Glu266Asp; replaces glutamic acid 266 with aspartic acid.
Molecular consequence: missense variant.
Genome position (GRCh38, 1-based): chr6:143,474,836, A>T. VCF-style: chr6-143474836-A-T. GRCh37 (hg19) VCF-style: chr6-143795973-A-T.
Other names: short protein forms E266D.
Identifiers: ClinVar variation 839350 (VCV000839350.10), dbSNP rs182665934, ClinGen allele CA4029675.
Genomic context (GRCh38, chr6:143,474,836, plus strand): 5'-AATTCTATAGGCCTGTGGACTTTCTCCTCGAGACATTACCACTATTAAACTTCTCAATGA[A>T]ACTAGAGACATGTTGGAAAGGTATGTATACTTCATGTAGCAGGAAAAATATGTGTGTATG-3'
Protein context (NP_003621.1, residues 256-276): RDITTIKLLN[Glu266Asp]TRDMLESPDF

ClinVar aggregate classification (germline): Uncertain significance. Review status: criteria provided, multiple submitters, no conflicts (2 of 4 stars). 4 submissions from 4 submitters: Uncertain significance (4). Last evaluated 2026-01-10.

Conditions:
Peroxisome biogenesis disorder 10B. Identifiers: MedGen C4479254, MONDO:0054549, OMIM 617370.
Peroxisome biogenesis disorder 10A (Zellweger). Also called: Peroxisome biogenesis disorder 10A. Identifiers: Orphanet 912, MedGen C3553999, MONDO:0013948, OMIM 614882.
PEX3-related disorder. Also called: PEX3-related condition.

Allele frequency attached by ClinVar (database versions not stated): ExAC 0.00002; gnomAD exomes 0.00004 and 0.00005; gnomAD 0.00007 and 0.00009; TOPMed 0.00012; 1000 Genomes Project 30x 0.00016; 1000 Genomes Project 0.00020.
gnomAD v4.1: 77 of 1,579,542 alleles (0.0049%); highest among the groups gnomAD compares: Admixed American, 0.035%; no homozygotes.

Submissions (4):

PreventionGenetics, part of Exact Sciences
Classification: Uncertain significance for PEX3-related condition. Last evaluated: 2026-01-10. Review status: criteria provided, single submitter. Criteria: ACMG Guidelines, 2015. Collection method: clinical testing. Allele origin: germline.
Comment: The PEX3 c.798A>T variant is predicted to result in the amino acid substitution p.Glu266Asp. To our knowledge, this variant has not been reported in the literature. This variant is reported in 0.020% of alleles in individuals of Latino descent in gnomAD. At this time, the clinical significance of this variant is uncertain due to the absence of conclusive functional and genetic evidence.

Blueprint Genetics
Classification: Uncertain significance. Last evaluated: 2023-12-01. Review status: criteria provided, single submitter. Criteria: ACMG Guidelines, 2015. Collection method: clinical testing. Allele origin: germline.

Labcorp Genetics (formerly Invitae), Labcorp
Classification: Uncertain significance. Last evaluated: 2022-08-23. Review status: criteria provided, single submitter. Criteria: Invitae Variant Classification Sherloc (09022015). Collection method: clinical testing. Allele origin: germline.
Comment: This sequence change replaces glutamic acid, which is acidic and polar, with aspartic acid, which is acidic and polar, at codon 266 of the PEX3 protein (p.Glu266Asp). This variant is present in population databases (rs182665934, gnomAD 0.02%). This variant has not been reported in the literature in individuals affected with PEX3-related conditions. ClinVar contains an entry for this variant (Variation ID: 839350). Algorithms developed to predict the effect of missense changes on protein structure and function are either unavailable or do not agree on the potential impact of this missense change (SIFT: "Tolerated"; PolyPhen-2: "Possibly Damaging"; Align-GVGD: "Class C0"). In summary, the available evidence is currently insufficient to determine the role of this variant in disease. Therefore, it has been classified as a Variant of Uncertain Significance.

Fulgent Genetics
Classification: Uncertain significance for Peroxisome biogenesis disorder 10A (Zellweger); Peroxisome biogenesis disorder 10B. Last evaluated: 2021-08-25. Review status: criteria provided, single submitter. Criteria: ACMG Guidelines, 2015. Collection method: clinical testing. Allele origin: unknown.